The following is an entry in ClinVar:

ClinVar aggregate classification (germline): Pathogenic/Likely pathogenic. Review status: criteria provided, multiple submitters, no conflicts (2 of 4 stars). 5 submissions from 5 submitters: Pathogenic (3); Likely pathogenic (2). Last evaluated 2026-06-15.

Conditions:
Primary hyperoxaluria type 3. Also called: PH III. Identifiers: Orphanet 416, Orphanet 93600, MedGen C3150878, MONDO:0013327, OMIM 613616. Disease mechanism: loss of function.

Allele frequency attached by ClinVar (database versions not stated): 1000 Genomes Project 0.00020; 1000 Genomes Project 30x 0.00031.

Submissions (5):

Women's Health and Genetics/Laboratory Corporation of America, LabCorp
Classification: Pathogenic for Primary hyperoxaluria type 3. Last evaluated: 2026-06-15. Review status: criteria provided, single submitter. Criteria: LabCorp Variant Classification Summary - May 2015. Collection method: clinical testing. Allele origin: germline.
Comment: Variant summary: HOGA1 c.860G>A (p.Gly287Glu) results in a non-conservative amino acid change in the encoded protein sequence. Algorithms developed to predict the effect of missense changes on protein structure and function all suggest that this variant is likely to be disruptive. The variant allele was found at a frequency of 2e-05 in 250406 control chromosomes. c.860G>A has been observed in at least 2 presumed compound heterozygous individual(s) affected with HOGA1-related conditions (example, Greed_2018, Martin-Higueras_2021) . These data indicate that the variant may be associated with disease. To our knowledge, no experimental evidence demonstrating an impact on protein function has been reported. A different variant affecting the same codon has been classified as likely pathogenic/pathogenic (c.860G>T, p.Gly287Val) by our lab, supporting the critical relevance of codon 287 to HOGA1 protein function. Internally validated machine learning-based Evidence Modeling of protein sequence and biophysical properties (such as structural, functional, and spatial information, amino acid conservation, physicochemical variation, residue mobility, and thermodynamic stability) indicates that this missense variant is expected to disrupt protein function with a positive predictive value of at least 95%. The following publications have been ascertained in the context of this evaluation (PMID: 29705963, 33865885). ClinVar contains an entry for this variant (Variation ID: 2149465). Based on the evidence outlined above, the variant was classified as pathogenic.

Natera, Inc.
Classification: Likely pathogenic for Primary hyperoxaluria type III. Last evaluated: 2025-11-04. Review status: criteria provided, single submitter. Criteria: Natera Variant Classification Schema (03/2026). Collection method: clinical testing. Allele origin: germline.
Comment: The c.860G>A variant in HOGA1 is a missense variant predicted to cause substitution of glycine to glutamic acid at amino acid 287. This variant is rare in the general population with a frequency below the threshold expected for the associated phenotype(s). This variant has been observed in one or more individuals affected with the associated recessive disease, as either homozygous or compound heterozygous with a second variant (PMID: 29705963). A different variant at the same position has been determined to be Pathogenic or Likely Pathogenic. Computational prediction algorithms indicate this variant is likely to affect gene or protein function. Given the available evidence, this variant is classified as Likely Pathogenic.

Labcorp Genetics (formerly Invitae), Labcorp
Classification: Pathogenic. Last evaluated: 2025-10-01. Review status: criteria provided, single submitter. Criteria: Invitae Variant Classification Sherloc (09022015). Collection method: clinical testing. Allele origin: germline.
Comment: This sequence change replaces glycine, which is neutral and non-polar, with glutamic acid, which is acidic and polar, at codon 287 of the HOGA1 protein (p.Gly287Glu). This variant is present in population databases (rs138207257, gnomAD 0.02%). This missense change has been observed in individual(s) with primary hyperoxaluria type 3 (PMID: 29705963). ClinVar contains an entry for this variant (Variation ID: 2149465). Invitae Evidence Modeling of protein sequence and biophysical properties (such as structural, functional, and spatial information, amino acid conservation, physicochemical variation, residue mobility, and thermodynamic stability) indicates that this missense variant is expected to disrupt HOGA1 protein function with a positive predictive value of 95%. This variant disrupts the p.Gly287 amino acid residue in HOGA1. Other variant(s) that disrupt this residue have been determined to be pathogenic (PMID: 20797690, 21896830, 22391140, 27561601). This suggests that this residue is clinically significant, and that variants that disrupt this residue are likely to be disease-causing. For these reasons, this variant has been classified as Pathogenic.

Fulgent Genetics
Classification: Likely pathogenic for Primary hyperoxaluria type 3. Last evaluated: 2024-03-26. Review status: criteria provided, single submitter. Criteria: ACMG Guidelines, 2015. Collection method: clinical testing. Allele origin: germline.

Clinical Biochemistry Laboratory, Health Services Laboratory
Classification: Pathogenic for Primary hyperoxaluria type 3. Last evaluated: 2023-10-27. Review status: criteria provided, single submitter. Criteria: ACMG Guidelines, 2015. Collection method: curation. Allele origin: germline. Affected: yes.
Comment: ACMG:PS5 PM1 PM3 PM5 PP3

Literature cited by the submitters: PubMed 33865885 (cited by Women's Health and Genetics/Laboratory Corporation of America, LabCorp); PubMed 29705963 (cited by 4 submitters); PubMed 20797690 (cited by Labcorp Genetics (formerly Invitae), Labcorp); PubMed 21896830 (cited by Labcorp Genetics (formerly Invitae), Labcorp); PubMed 22391140 (cited by Labcorp Genetics (formerly Invitae), Labcorp); PubMed 27561601 (cited by Labcorp Genetics (formerly Invitae), Labcorp).

NM_138413.4(HOGA1):c.860G>A (p.Gly287Glu)

Gene: HOGA1 (4-hydroxy-2-oxoglutarate aldolase 1; plus strand). Cytogenetic location: 10q24.2.
Variant type: single nucleotide variant.
Coding change: c.860G>A on transcript NM_138413.4 (MANE Select); coding-DNA position 860, G replaced by A.
Protein change: p.Gly287Glu; replaces glycine 287 with glutamic acid.
Molecular consequence: missense variant.
Genome position (GRCh38, 1-based): chr10:97,611,535, G>A. VCF-style: chr10-97611535-G-A. GRCh37 (hg19) VCF-style: chr10-99371292-G-A.
Other names: c.371G>A, p.Gly124Glu (NM_001134670.2); c.860G>A (NM_138413.3); short protein forms G124E, G287E.
Identifiers: ClinVar variation 2149465 (VCV002149465.8), dbSNP rs138207257, ClinGen allele CA5634299.
Genomic context (GRCh38, chr10:97,611,535, plus strand): 5'-TTTCTCAGTCTCTTCTAACAGGCCCTGCTTTGCAGGTGACCCGGCGCTTTGGGATCCCAG[G>A]GCTGAAGAAAATCATGGACTGGTTTGGCTACTATGGAGGCCCCTGCCGCGCCCCCTTGCA-3'
Protein context (NP_612422.2, residues 277-297): AAVTRRFGIP[Gly287Glu]LKKIMDWFGY